The following is an entry in ClinVar:

NM_205836.3(FBXO38):c.2275G>A (p.Asp759Asn)

Gene: FBXO38 (F-box protein 38; plus strand). Cytogenetic location: 5q32.
Variant type: single nucleotide variant.
Coding change: c.2275G>A on transcript NM_205836.3 (MANE Select); coding-DNA position 2275, G replaced by A.
Protein change: p.Asp759Asn; replaces aspartic acid 759 with asparagine.
Molecular consequence: missense variant. On other transcripts: intron variant (1).
Genome position (GRCh38, 1-based): chr5:148,427,569, G>A. VCF-style: chr5-148427569-G-A. GRCh37 (hg19) VCF-style: chr5-147807132-G-A.
Other names: c.2275G>A, p.Asp759Asn (NM_030793.5); c.1918+1868G>A (NM_001271723.2); short protein forms D759N.
Identifiers: ClinVar variation 939156 (VCV000939156.11), dbSNP rs1300558545, ClinGen allele CA361657425.

ClinVar aggregate classification (germline): Uncertain significance (1 of 4 stars; one submission).

Conditions:
Distal hereditary motor neuropathy type 2. Identifiers: Orphanet 139525, MedGen C3711384, MeSH C580044, MONDO:0015352.

Allele frequency attached by ClinVar (database versions not stated): gnomAD exomes below 0.00001; TOPMed 0.00001.

Submission:

Labcorp Genetics (formerly Invitae), Labcorp
Classification: Uncertain significance for Distal hereditary motor neuropathy type 2. Last evaluated: 2019-07-26. Review status: criteria provided, single submitter. Criteria: Invitae Variant Classification Sherloc (09022015). Collection method: clinical testing. Allele origin: germline.
Comment: In summary, the available evidence is currently insufficient to determine the role of this variant in disease. Therefore, it has been classified as a Variant of Uncertain Significance. Algorithms developed to predict the effect of missense changes on protein structure and function (SIFT, PolyPhen-2, Align-GVGD) all suggest that this variant is likely to be tolerated, but these predictions have not been confirmed by published functional studies and their clinical significance is uncertain. This variant has not been reported in the literature in individuals with FBXO38-related conditions. This variant is not present in population databases (ExAC no frequency). This sequence change replaces aspartic acid with asparagine at codon 759 of the FBXO38 protein (p.Asp759Asn). The aspartic acid residue is moderately conserved and there is a small physicochemical difference between aspartic acid and asparagine.